The following is an entry in ClinVar:

NM_007046.4(EMILIN1):c.2016C>T (p.Gly672=)

Gene: EMILIN1 (elastin microfibril interfacer 1; plus strand). Cytogenetic location: 2p23.3.
Variant type: single nucleotide variant.
Coding change: c.2016C>T on transcript NM_007046.4 (MANE Select); coding-DNA position 2016, C replaced by T.
Protein change: p.Gly672=; no amino-acid change (glycine 672 retained).
Molecular consequence: synonymous variant.
Genome position (GRCh38, 1-based): chr2:27,083,587, C>T. VCF-style: chr2-27083587-C-T. GRCh37 (hg19) VCF-style: chr2-27306455-C-T.
Identifiers: ClinVar variation 781932 (VCV000781932.35), dbSNP rs36035398, ClinGen allele CA1568827.
Genomic context (GRCh38, chr2:27,083,587, plus strand): 5'-CAGCTTCAGCTCCCTCAATGACTCACTGAATGAGCTCCAGACCACTGTGGAGGGCCAGGG[C>T]GCTGATCTGGCTGACCTGGGGGCAACCAAGGACCGTATCATTTCTGAGATTAACAGGCTG-3'
Protein context (NP_008977.1, residues 662-682): NELQTTVEGQ[Gly672=]ADLADLGATK

ClinVar aggregate classification (germline): Benign/Likely benign. Review status: criteria provided, multiple submitters, no conflicts (2 of 4 stars). 4 submissions from 4 submitters: Benign (2); Likely benign (1). 1 of the submissions does not count toward it. Last evaluated 2026-10-01.

Conditions:
EMILIN1-related disorder. Also called: EMILIN1-related condition.

Allele frequency attached by ClinVar (database versions not stated): 1000 Genomes Project 0.00160; 1000 Genomes Project 30x 0.00172; TOPMed 0.00566; ExAC 0.00650; gnomAD 0.00671; ESP Exome Variant Server 0.00707; gnomAD exomes 0.00726.
gnomAD v4.1: 11,649 of 1,613,764 alleles (0.72%); highest among the groups gnomAD compares: Non-Finnish European, 0.79%; 71 homozygotes.

Submissions (4):

CeGaT Center for Human Genetics Tuebingen
Classification: Likely benign. Last evaluated: 2026-10-01. Review status: criteria provided, single submitter. Criteria: CeGaT Center For Human Genetics Tuebingen Variant Classification Criteria Version 2. Collection method: clinical testing. Allele origin: germline. Affected: yes. Observed: 34 variant alleles.
Comment: EMILIN1: BP4, BP7, BS2

Labcorp Genetics (formerly Invitae), Labcorp
Classification: Benign. Last evaluated: 2019-12-31. Review status: criteria provided, single submitter. Criteria: Invitae Variant Classification Sherloc (09022015). Collection method: clinical testing. Allele origin: germline.

Breakthrough Genomics
Classification: Benign. Review status: criteria provided, single submitter. Criteria: ACMG Guidelines, 2015. Collection method: not provided. Allele origin: germline. Inheritance: Unknown mechanism. Affected: yes.

PreventionGenetics, part of Exact Sciences
Classification: Benign for EMILIN1-related condition. Last evaluated: 2019-11-11. Review status: no assertion criteria provided. Collection method: clinical testing. Allele origin: germline. Not counted in ClinVar's aggregate classification.
Comment: This variant is classified as benign based on ACMG/AMP sequence variant interpretation guidelines (Richards et al. 2015 PMID: 25741868, with internal and published modifications).